The following is an entry in ClinVar:

NM_001042492.3(NF1):c.1528-10T>C

Gene: NF1 (neurofibromin 1; plus strand). Cytogenetic location: 17q11.2.
Variant type: single nucleotide variant.
Coding change: c.1528-10T>C on transcript NM_001042492.3 (MANE Select); 10 bases into the intron before coding-DNA position 1528, T replaced by C.
Molecular consequence: intron variant.
Genome position (GRCh38, 1-based): chr17:31,218,995, T>C. VCF-style: chr17-31218995-T-C. GRCh37 (hg19) VCF-style: chr17-29546013-T-C.
Other names: c.1528-10T>C (NM_000267.4, NM_001128147.3).
Identifiers: ClinVar variation 215708 (VCV000215708.20), dbSNP rs376174484, ClinGen allele CA336481.

ClinVar aggregate classification (germline): Conflicting classifications of pathogenicity. Review status: criteria provided, conflicting classifications (1 of 4 stars). 7 submissions from 7 submitters: Uncertain significance (1); Likely benign (6). Last evaluated 2026-05-11.

Conditions:
Hereditary cancer-predisposing syndrome. Also called: Neoplastic Syndromes, Hereditary; Tumor predisposition; Hereditary Cancer Syndrome; Hereditary neoplastic syndrome. Identifiers: Orphanet 140162, MedGen C0027672, MeSH D009386, MONDO:0015356.
Neurofibromatosis, type 1 (NF1). Also called: VON RECKLINGHAUSEN DISEASE; NEUROFIBROMATOSIS, TYPE I, SOMATIC; Peripheral type neurofibromatosis; Neurofibromatosis, type I. Identifiers: Orphanet 636, MedGen C0027831, MONDO:0018975, OMIM 162200. Disease mechanism: loss of function.

Allele frequency attached by ClinVar (database versions not stated): gnomAD exomes 0.00003 and 0.00017; ExAC 0.00006; gnomAD 0.00007; TOPMed 0.00007; ESP Exome Variant Server 0.00031.
gnomAD v4.1: 264 of 1,608,902 alleles (0.016%); highest among the groups gnomAD compares: Non-Finnish European, 0.021%; no homozygotes.

Submissions (7):

Myriad Genetics, Inc.
Classification: Likely benign for Neurofibromatosis, type 1. Last evaluated: 2026-05-11. Review status: criteria provided, single submitter. Criteria: Myriad Autosomal Dominant, Autosomal Recessive and X-Linked Classification Criteria (2023). Collection method: clinical testing. Allele origin: unknown.
Comment: This variant is considered likely benign. This variant is intronic and is not expected to impact mRNA splicing.

Labcorp Genetics (formerly Invitae), Labcorp
Classification: Likely benign for Neurofibromatosis, type 1. Last evaluated: 2026-02-02. Review status: criteria provided, single submitter. Criteria: Invitae Variant Classification Sherloc (09022015). Collection method: clinical testing. Allele origin: germline.

Women's Health and Genetics/Laboratory Corporation of America, LabCorp
Classification: Likely benign. Last evaluated: 2025-01-09. Review status: criteria provided, single submitter. Criteria: LabCorp Variant Classification Summary - May 2015. Collection method: clinical testing. Allele origin: germline.
Comment: Variant summary: NF1 c.1528-10T>C alters a nucleotide located at a position not widely known to affect splicing. Consensus agreement among computation tools predict no significant impact on normal splicing. However, these predictions have yet to be confirmed by functional studies. The variant allele was found at a frequency of 3.3e-05 in 244080 control chromosomes. The available data on variant occurrences in the general population are insufficient to allow any conclusion about variant significance. c.1528-10T>C has not been reported in the literature in individuals affected with Neurofibromatosis Type 1. These report(s) do not provide unequivocal conclusions about association of the variant with Neurofibromatosis Type 1. To our knowledge, no experimental evidence demonstrating an impact on protein function has been reported. The following publications have been ascertained in the context of this evaluation (PMID: 10678181, 23460398, 27069254, 31874108).ClinVar contains an entry for this variant (Variation ID: 215708). Based on the evidence outlined above, the variant was classified as likely benign.

Blueprint Genetics
Classification: Likely benign. Last evaluated: 2024-01-30. Review status: criteria provided, single submitter. Criteria: ACMG Guidelines, 2015. Collection method: clinical testing. Allele origin: germline.

Institute for Biomarker Research, Medical Diagnostic Laboratories, L.L.C.
Classification: Uncertain significance for Hereditary cancer-predisposing syndrome. Last evaluated: 2022-10-04. Review status: criteria provided, single submitter. Criteria: ACMG Guidelines, 2015. Collection method: clinical testing. Allele origin: germline.

Sema4
Classification: Likely benign for Hereditary cancer-predisposing syndrome. Last evaluated: 2021-05-24. Review status: criteria provided, single submitter. Criteria: Sema4 Curation Guidelines. Collection method: curation. Allele origin: germline.

GeneDx
Classification: Likely benign. Last evaluated: 2021-04-27. Review status: criteria provided, single submitter. Criteria: GeneDx Variant Classification Process June 2021. Collection method: clinical testing. Allele origin: germline. Affected: yes.

Literature cited by the submitters: PubMed 10678181 (cited by Women's Health and Genetics/Laboratory Corporation of America, LabCorp); PubMed 23460398 (cited by Women's Health and Genetics/Laboratory Corporation of America, LabCorp); PubMed 31874108 (cited by Women's Health and Genetics/Laboratory Corporation of America, LabCorp); PubMed 27069254 (cited by Women's Health and Genetics/Laboratory Corporation of America, LabCorp).